The following is an entry in ClinVar:

NM_001376.5(DYNC1H1):c.8305C>T (p.Leu2769Phe)

Gene: DYNC1H1 (dynein cytoplasmic 1 heavy chain 1; plus strand). Cytogenetic location: 14q32.31.
Variant type: single nucleotide variant.
Coding change: c.8305C>T on transcript NM_001376.5 (MANE Select); coding-DNA position 8305, C replaced by T.
Protein change: p.Leu2769Phe; replaces leucine 2769 with phenylalanine.
Molecular consequence: missense variant.
Genome position (GRCh38, 1-based): chr14:102,018,578, C>T. VCF-style: chr14-102018578-C-T. GRCh37 (hg19) VCF-style: chr14-102484915-C-T.
Other names: short protein forms L2769F.
Identifiers: ClinVar variation 3632033 (VCV003632033.2).

ClinVar aggregate classification (germline): Uncertain significance (1 of 4 stars; one submission).

Conditions:
Charcot-Marie-Tooth disease axonal type 2O. Also called: CHARCOT-MARIE-TOOTH NEUROPATHY, AXONAL, TYPE 2O; CHARCOT-MARIE-TOOTH DISEASE, AXONAL, AUTOSOMAL DOMINANT, TYPE 2O; Charcot-Marie-Tooth Neuropathy Type 2O; Charcot-Marie-Tooth disease, axonal, type 20. Identifiers: Orphanet 284232, MedGen C3280220, MONDO:0013644, OMIM 614228.

gnomAD v4.1: 1 of 1,613,470 alleles (0.000062%); highest among the groups gnomAD compares: East Asian, 0.0022%; no homozygotes.

Submission:

Labcorp Genetics (formerly Invitae), Labcorp
Classification: Uncertain significance for Charcot-Marie-Tooth disease axonal type 2O. Last evaluated: 2024-08-29. Review status: criteria provided, single submitter. Criteria: Invitae Variant Classification Sherloc (09022015). Collection method: clinical testing. Allele origin: germline.
Comment: This sequence change replaces leucine, which is neutral and non-polar, with phenylalanine, which is neutral and non-polar, at codon 2769 of the DYNC1H1 protein (p.Leu2769Phe). This variant is not present in population databases (gnomAD no frequency). This variant has not been reported in the literature in individuals affected with DYNC1H1-related conditions. Invitae Evidence Modeling of protein sequence and biophysical properties (such as structural, functional, and spatial information, amino acid conservation, physicochemical variation, residue mobility, and thermodynamic stability) has been performed for this missense variant. However, the output from this modeling did not meet the statistical confidence thresholds required to predict the impact of this variant on DYNC1H1 protein function. In summary, the available evidence is currently insufficient to determine the role of this variant in disease. Therefore, it has been classified as a Variant of Uncertain Significance.